The following is an entry in ClinVar:

NM_015215.4(CAMTA1):c.4373G>A (p.Ser1458Asn)

Gene: CAMTA1 (calmodulin binding transcription activator 1; plus strand). Cytogenetic location: 1p36.23.
Variant type: single nucleotide variant.
Coding change: c.4373G>A on transcript NM_015215.4 (MANE Select); coding-DNA position 4373, G replaced by A.
Protein change: p.Ser1458Asn; replaces serine 1458 with asparagine.
Molecular consequence: missense variant.
Genome position (GRCh38, 1-based): chr1:7,745,847, G>A. VCF-style: chr1-7745847-G-A. GRCh37 (hg19) VCF-style: chr1-7805907-G-A.
Other names: c.4283G>A, p.Ser1428Asn (NM_001349608.2); c.4034G>A, p.Ser1345Asn (NM_001349609.2, NM_001349610.2); c.3944G>A, p.Ser1315Asn (NM_001349612.2); c.1502G>A, p.Ser501Asn (NM_001349613.1); c.1445G>A, p.Ser482Asn (NM_001349614.1, NM_001349615.2, NM_001349616.2 and 2 more transcripts); c.1106G>A, p.Ser369Asn (NM_001349619.2, NM_001349620.1, NM_001349621.1 and 5 more transcripts); short protein forms S1315N, S1345N, S1428N, S1458N, S369N, S482N, S501N.
Identifiers: ClinVar variation 1305527 (VCV001305527.2), dbSNP rs2150107086, ClinGen allele CA338140956.
Genomic context (GRCh38, chr1:7,745,847, plus strand): 5'-TAATGGGTGGTGCAAATCAATCATTAATCTGTCTCTCCTTTTTCTCCTCTTGTTTCAGAA[G>A]TGCATATAACGAGCCTCTAACCCCTTCTTCTAATACCAGCTTGAGCCCTGTTGGCTCTCC-3'
Protein context (NP_056030.1, residues 1448-1468): DCLPSAAQIR[Ser1458Asn]AYNEPLTPSS

ClinVar aggregate classification (germline): Uncertain significance (1 of 4 stars; one submission).

Submission:

GeneDx
Classification: Uncertain significance. Last evaluated: 2020-09-28. Review status: criteria provided, single submitter. Criteria: GeneDx Variant Classification Process June 2021. Collection method: clinical testing. Allele origin: germline. Affected: yes.
Comment: Not observed in large population cohorts (Lek et al., 2016); In silico analysis, which includes protein predictors and evolutionary conservation, supports that this variant does not alter protein structure/function; Has not been previously published as pathogenic or benign to our knowledge